The following is an entry in ClinVar:

ClinVar aggregate classification (germline): Uncertain significance. Review status: criteria provided, multiple submitters, no conflicts (2 of 4 stars). 3 submissions from 3 submitters: Uncertain significance (3). Last evaluated 2026-02-13.

Conditions:
Wilms tumor 1 (WT1). Also called: Wilms tumor, somatic. Identifiers: Orphanet 654, MedGen CN033288, MONDO:0008679, OMIM 194070.
11p partial monosomy syndrome (WAGR). Also called: CHROMOSOME 11p13 DELETION SYNDROME; WAGR Spectrum Disorder; WAGR syndrome; WAGR Complex. Identifiers: Orphanet 893, MedGen C0206115, MONDO:0008681, OMIM 194072.
Drash syndrome (DDS). Also called: NEPHROPATHY, WILMS TUMOR, AND GENITAL ANOMALIES; WILMS TUMOR AND PSEUDO- OR TRUE HERMAPHRODITISM. Identifiers: Orphanet 220, MedGen C0950121, MONDO:0008682, OMIM 194080.
Frasier syndrome. Identifiers: Orphanet 347, MedGen C0950122, MeSH D052159, MONDO:0007635, OMIM 136680.
Inborn genetic diseases. Identifiers: MedGen C0950123, MeSH D030342.

Allele frequency attached by ClinVar (database versions not stated): gnomAD exomes below 0.00001 and 0.00001; ExAC 0.00001.

Submissions (3):

Ambry Genetics
Classification: Uncertain significance for Inborn genetic diseases. Last evaluated: 2026-02-13. Review status: criteria provided, single submitter. Criteria: Ambry Variant Classification Scheme 2023. Collection method: clinical testing. Allele origin: germline.
Comment: The p.G360D variant (also known as c.1079G>A), located in coding exon 6 of the WT1 gene, results from a G to A substitution at nucleotide position 1079. The glycine at codon 360 is replaced by aspartic acid, an amino acid with similar properties. This amino acid position is highly conserved in available vertebrate species. In addition, this alteration is predicted to be deleterious by in silico analysis. Based on the available evidence, the clinical significance of this variant remains unclear.

All of Us Research Program, National Institutes of Health
Classification: Uncertain significance for Wilms tumor 1. Last evaluated: 2023-04-03. Review status: criteria provided, single submitter. Criteria: ACMG Guidelines, 2015. Collection method: clinical testing. Allele origin: germline. Inheritance: Autosomal dominant inheritance. Observed: 1 variant allele, 1 heterozygote.
Comment: This missense variant replaces glycine with aspartic acid at codon 360 in the WT1 protein. Computational prediction is inconclusive regarding the impact of this variant on protein structure and function (internally defined REVEL score threshold 0.5 < inconclusive < 0.7, PMID: 27666373). To our knowledge, functional studies have not been reported for this variant. This variant has not been reported in individuals affected with WT1-related disorders in the literature. This variant has been identified in 2/251430 chromosomes in the general population by the Genome Aggregation Database (gnomAD). The available evidence is insufficient to determine the role of this variant in disease conclusively. Therefore, this variant is classified as a Variant of Uncertain Significance.

This study involves interpretation of variants in research participants for the purpose of population health screening. Participant phenotype was not available at the time of variant classification. Additional details can be found in publication PMID: 35346344, PMCID: PMC8962531

Labcorp Genetics (formerly Invitae), Labcorp
Classification: Uncertain significance for Wilms tumor 1; Drash syndrome; 11p partial monosomy syndrome; Frasier syndrome. Last evaluated: 2019-05-07. Review status: criteria provided, single submitter. Criteria: Invitae Variant Classification Sherloc (09022015). Collection method: clinical testing. Allele origin: germline.
Comment: Algorithms developed to predict the effect of missense changes on protein structure and function (SIFT, PolyPhen-2, Align-GVGD) all suggest that this variant is likely to be disruptive, but these predictions have not been confirmed by published functional studies and their clinical significance is uncertain. This variant has not been reported in the literature in individuals with WT1-related conditions. ClinVar contains an entry for this variant (Variation ID: 476677). This variant is present in population databases (rs769934402, ExAC 0.002%). This sequence change replaces glycine with aspartic acid at codon 360 of the WT1 protein (p.Gly360Asp). The glycine residue is highly conserved and there is a moderate physicochemical difference between glycine and aspartic acid. In summary, the available evidence is currently insufficient to determine the role of this variant in disease. Therefore, it has been classified as a Variant of Uncertain Significance.

NM_024426.6(WT1):c.1094G>A (p.Gly365Asp)

Gene: WT1 (WT1 transcription factor; minus strand). Cytogenetic location: 11p13.
Variant type: single nucleotide variant.
Coding change: c.1094G>A on transcript NM_024426.6 (MANE Select); coding-DNA position 1094, G replaced by A.
Protein change: p.Gly365Asp; replaces glycine 365 with aspartic acid.
Molecular consequence: missense variant. On other transcripts: 5 prime UTR variant (1), non-coding transcript variant (1).
Genome position (GRCh38, 1-based): chr11:32,399,967, C>T on the plus strand (G>A on the coding strand, the complement: WT1 is on the minus strand). VCF-style: chr11-32399967-C-T. GRCh37 (hg19) VCF-style: chr11-32421513-C-T.
Other names: c.1043G>A, p.Gly348Asp (NM_000378.6, NM_001407045.1, NM_001407048.1 and 1 more transcripts); c.443G>A, p.Gly148Asp (NM_001198551.2); c.392G>A, p.Gly131Asp (NM_001198552.2); c.-95G>A (NM_001367854.1); c.1088G>A, p.Gly363Asp (NM_001407044.1); c.1094G>A, p.Gly365Asp (NM_001407046.1, NM_024424.5); c.971G>A, p.Gly324Asp (NM_001407047.1); c.920G>A, p.Gly307Asp (NM_001407050.1); and 2 more; short protein forms G148D, G365D, G131D, G348D, G111D, G363D, G343D, G307D.
Identifiers: ClinVar variation 476677 (VCV000476677.14), dbSNP rs769934402, ClinGen allele CA064122.